The following is an entry in ClinVar:

NM_020832.3(ZNF687):c.3308G>T (p.Gly1103Val)

Gene: ZNF687 (zinc finger protein 687; plus strand). Cytogenetic location: 1q21.3.
Variant type: single nucleotide variant.
Coding change: c.3308G>T on transcript NM_020832.3 (MANE Select); coding-DNA position 3308, G replaced by T.
Protein change: p.Gly1103Val; replaces glycine 1103 with valine.
Molecular consequence: missense variant.
Genome position (GRCh38, 1-based): chr1:151,290,803, G>T. VCF-style: chr1-151290803-G-T. GRCh37 (hg19) VCF-style: chr1-151263279-G-T.
Other names: c.3308G>T, p.Gly1103Val (NM_001304763.2, NM_001304764.2); short protein forms G1103V.
Identifiers: ClinVar variation 4704495 (VCV004704495.2).

ClinVar aggregate classification (germline): Uncertain significance. Review status: criteria provided, multiple submitters, no conflicts (2 of 4 stars). 2 submissions from 2 submitters: Uncertain significance (2). Last evaluated 2026-02-16.

Submissions (2):

Women's Health and Genetics/Laboratory Corporation of America, LabCorp
Classification: Uncertain significance. Last evaluated: 2026-02-16. Review status: criteria provided, single submitter. Criteria: LabCorp Variant Classification Summary - May 2015. Collection method: clinical testing. Allele origin: germline.
Comment: Variant summary: ZNF687 c.3308G>T (p.Gly1103Val) results in a non-conservative amino acid change in the encoded protein sequence. Algorithms developed to predict the effect of missense changes on protein structure and function are either unavailable or do not agree on the potential impact of this missense change. The variant was absent in 251096 control chromosomes. The available data on variant occurrences in the general population are insufficient to allow any conclusion about variant significance. To our knowledge, no occurrence of c.3308G>T in individuals affected with ZNF687-related conditions and no experimental evidence demonstrating its impact on protein function have been reported. No submitters have cited clinical-significance assessments for this variant to ClinVar. Based on the evidence outlined above, the variant was classified as uncertain significance.

Labcorp Genetics (formerly Invitae), Labcorp
Classification: Uncertain significance. Last evaluated: 2026-01-17. Review status: criteria provided, single submitter. Criteria: Invitae Variant Classification Sherloc (09022015). Collection method: clinical testing. Allele origin: germline.
Comment: This sequence change replaces glycine, which is neutral and non-polar, with valine, which is neutral and non-polar, at codon 1103 of the ZNF687 protein (p.Gly1103Val). This variant is not present in population databases (gnomAD no frequency). This variant has not been reported in the literature in individuals affected with ZNF687-related conditions. An algorithm developed to predict the effect of missense changes on protein structure and function (PolyPhen-2) suggests that this variant is likely to be tolerated. In summary, the available evidence is currently insufficient to determine the role of this variant in disease. Therefore, it has been classified as a Variant of Uncertain Significance.